The following is an entry in ClinVar:

NM_015650.4(TRAF3IP1):c.1254_1255delinsAA (p.Gln419Lys)

Gene: TRAF3IP1 (TRAF3 interacting protein 1; plus strand). Cytogenetic location: 2q37.3.
Variant type: Indel.
Coding change: c.1254_1255delinsAA on transcript NM_015650.4 (MANE Select); coding-DNA positions 1254 to 1255, GC replaced by AA.
Protein change: p.Gln419Lys; replaces glutamine 419 with lysine.
Molecular consequence: missense variant. On other transcripts: intron variant (1).
Genome position (GRCh38, 1-based): chr2:238,344,591-238,344,592, GC replaced by AA. VCF-style: chr2-238344591-GC-AA. GRCh37 (hg19) VCF-style: chr2-239253232-GC-AA.
Other names: c.1064-2864_1064-2863delinsAA (NM_001139490.1); short protein forms Q419K.
Identifiers: ClinVar variation 1925477 (VCV001925477.3), dbSNP rs2469672131, ClinGen allele CA2580068090.

ClinVar aggregate classification (germline): Uncertain significance (1 of 4 stars; one submission).

Submission:

Labcorp Genetics (formerly Invitae), Labcorp
Classification: Uncertain significance. Last evaluated: 2023-06-04. Review status: criteria provided, single submitter. Criteria: Invitae Variant Classification Sherloc (09022015). Collection method: clinical testing. Allele origin: germline.
Comment: Information on the frequency of this variant in the gnomAD database is not available, as this variant may be reported differently in the database. In summary, the available evidence is currently insufficient to determine the role of this variant in disease. Therefore, it has been classified as a Variant of Uncertain Significance. Experimental studies and prediction algorithms are not available or were not evaluated, and the functional significance of this variant is currently unknown. ClinVar contains an entry for this variant (Variation ID: 1925477). This variant has not been reported in the literature in individuals affected with TRAF3IP1-related conditions. This sequence change replaces glutamine, which is neutral and polar, with lysine, which is basic and polar, at codon 419 of the TRAF3IP1 protein (p.Gln419Lys).